The following is an entry in ClinVar:

ClinVar aggregate classification (germline): Uncertain significance. Review status: criteria provided, multiple submitters, no conflicts (2 of 4 stars). 2 submissions from 2 submitters: Uncertain significance (2). Last evaluated 2025-01-28.

Conditions:
Early-infantile DEE. Also called: Ohtahara syndrome; Early infantile epileptic encephalopathy; Early infantile epileptic encephalopathy with suppression bursts. Identifiers: Orphanet 1934, MedGen C0393706, MONDO:0800491.

Submissions (2):

GeneDx
Classification: Uncertain significance. Last evaluated: 2025-01-28. Review status: criteria provided, single submitter. Criteria: GeneDx Variant Classification Process June 2021. Collection method: clinical testing. Allele origin: germline. Affected: yes.
Comment: Not observed at significant frequency in large population cohorts (gnomAD); In silico analysis supports that this missense variant has a deleterious effect on protein structure/function; Has not been previously published as pathogenic or benign to our knowledge

Labcorp Genetics (formerly Invitae), Labcorp
Classification: Uncertain significance for Early-infantile DEE. Last evaluated: 2023-06-13. Review status: criteria provided, single submitter. Criteria: Invitae Variant Classification Sherloc (09022015). Collection method: clinical testing. Allele origin: germline.
Comment: This sequence change replaces aspartic acid, which is acidic and polar, with alanine, which is neutral and non-polar, at codon 141 of the KCNH5 protein (p.Asp141Ala). This variant is not present in population databases (gnomAD no frequency). This variant has not been reported in the literature in individuals affected with KCNH5-related conditions. ClinVar contains an entry for this variant (Variation ID: 1035483). Advanced modeling of protein sequence and biophysical properties (such as structural, functional, and spatial information, amino acid conservation, physicochemical variation, residue mobility, and thermodynamic stability) performed at Invitae indicates that this missense variant is not expected to disrupt KCNH5 protein function. In summary, the available evidence is currently insufficient to determine the role of this variant in disease. Therefore, it has been classified as a Variant of Uncertain Significance.

NM_139318.5(KCNH5):c.422A>C (p.Asp141Ala)

Gene: KCNH5 (potassium voltage-gated channel subfamily H member 5; minus strand). Cytogenetic location: 14q23.2.
Variant type: single nucleotide variant.
Coding change: c.422A>C on transcript NM_139318.5 (MANE Select); coding-DNA position 422, A replaced by C.
Protein change: p.Asp141Ala; replaces aspartic acid 141 with alanine.
Molecular consequence: missense variant.
Genome position (GRCh38, 1-based): chr14:63,001,342, T>G on the plus strand (A>C on the coding strand, the complement: KCNH5 is on the minus strand). VCF-style: chr14-63001342-T-G. GRCh37 (hg19) VCF-style: chr14-63468060-T-G.
Other names: c.422A>C, p.Asp141Ala (NM_172375.3); c.422A>C (NM_139318.4); short protein forms D141A.
Identifiers: ClinVar variation 1035483 (VCV001035483.11), dbSNP rs1891006879, ClinGen allele CA390104970.
Genomic context (GRCh38, chr14:63,001,342, plus strand): 5'-TTTTAGCAACAGCCTAATTTTTCAGTGTAGTAATTCTTTTGAAAATTACCTTTTGTTGAA[T>G]CATCCTCTATTGGCTGTTTGAACAACGTAATATCCTTGAAAGTACACAGGAACAAGACCA-3'
Protein context (NP_647479.2, residues 131-151): ITLFKQPIED[Asp141Ala]STKGWTKFAR